The following is an entry in ClinVar:

ClinVar aggregate classification (germline): Uncertain significance (1 of 4 stars; one submission).

gnomAD v4.1: 1 of 1,613,756 alleles (0.000062%); highest among the groups gnomAD compares: Non-Finnish European, 0.000085%; no homozygotes.

Submission:

GeneDx
Classification: Uncertain significance. Last evaluated: 2025-03-30. Review status: criteria provided, single submitter. Criteria: GeneDx Variant Classification Process June 2021. Collection method: clinical testing. Allele origin: germline. Affected: yes.
Comment: Not observed at significant frequency in large population cohorts (gnomAD); In silico analysis supports that this missense variant has a deleterious effect on protein structure/function; Has not been previously published as pathogenic or benign to our knowledge

NM_001277115.2(DNAH11):c.11134G>T (p.Ala3712Ser)

Gene: DNAH11 (dynein axonemal heavy chain 11; plus strand). Cytogenetic location: 7p15.3.
Variant type: single nucleotide variant.
Coding change: c.11134G>T on transcript NM_001277115.2 (MANE Select); coding-DNA position 11134, G replaced by T.
Protein change: p.Ala3712Ser; replaces alanine 3712 with serine.
Molecular consequence: missense variant.
Genome position (GRCh38, 1-based): chr7:21,854,387, G>T. VCF-style: chr7-21854387-G-T. GRCh37 (hg19) VCF-style: chr7-21894005-G-T.
Other names: short protein forms A3712S.
Identifiers: ClinVar variation 4278716 (VCV004278716.1).